The following is an entry in ClinVar:

ClinVar aggregate classification (germline): Benign/Likely benign. Review status: criteria provided, multiple submitters, no conflicts (2 of 4 stars). 2 submissions from 2 submitters: Benign (1); Likely benign (1). Last evaluated 2025-12-31.

Allele frequency attached by ClinVar (database versions not stated): gnomAD 0.00018 and 0.00041; TOPMed 0.00023; gnomAD exomes 0.00045 and 0.00059; ExAC 0.00063; 1000 Genomes Project 30x 0.00203; 1000 Genomes Project 0.00260.
gnomAD v4.1: 741 of 1,613,754 alleles (0.046%); highest among the groups gnomAD compares: East Asian, 1.1%; 6 homozygotes.

Submissions (2):

Labcorp Genetics (formerly Invitae), Labcorp
Classification: Benign. Last evaluated: 2025-12-31. Review status: criteria provided, single submitter. Criteria: Invitae Variant Classification Sherloc (09022015). Collection method: clinical testing. Allele origin: germline.

CeGaT Center for Human Genetics Tuebingen
Classification: Likely benign. Last evaluated: 2025-05-01. Review status: criteria provided, single submitter. Criteria: CeGaT Center For Human Genetics Tuebingen Variant Classification Criteria Version 2. Collection method: clinical testing. Allele origin: germline. Affected: yes. Observed: 1 variant allele.
Comment: DSTYK: BP4, BS1

NM_015375.3(DSTYK):c.1542T>C (p.Ser514=)

Gene: DSTYK (dual serine/threonine and tyrosine protein kinase; minus strand). Cytogenetic location: 1q32.1.
Variant type: single nucleotide variant.
Coding change: c.1542T>C on transcript NM_015375.3 (MANE Select); coding-DNA position 1542, T replaced by C.
Protein change: p.Ser514=; no amino-acid change (serine 514 retained).
Molecular consequence: synonymous variant.
Genome position (GRCh38, 1-based): chr1:205,163,738, A>G on the plus strand (T>C on the coding strand, the complement: DSTYK is on the minus strand). VCF-style: chr1-205163738-A-G. GRCh37 (hg19) VCF-style: chr1-205132866-A-G.
Other names: c.1542T>C, p.Ser514= (NM_199462.3).
Identifiers: ClinVar variation 780089 (VCV000780089.19), dbSNP rs146330673, ClinGen allele CA1352830.